The following is an entry in ClinVar:

ClinVar aggregate classification (germline): Likely benign (1 of 4 stars; one submission).

Submission:

CeGaT Center for Human Genetics Tuebingen
Classification: Likely benign. Last evaluated: 2026-07-01. Review status: criteria provided, single submitter. Criteria: CeGaT Center For Human Genetics Tuebingen Variant Classification Criteria Version 2. Collection method: clinical testing. Allele origin: germline. Affected: yes. Observed: 1 variant allele.
Comment: KIF19: BP4

NM_153209.4(KIF19):c.778-4del

Gene: KIF19 (kinesin family member 19; plus strand). Cytogenetic location: 17q25.1.
Variant type: Deletion.
Coding change: c.778-4del on transcript NM_153209.4 (MANE Select); 4 bases into the intron before coding-DNA position 778, one base deleted (C; older notation c.778-4delC).
Molecular consequence: intron variant.
Genome position (GRCh38, 1-based): chr17:74,346,374, C deleted; the last of 5 consecutive C bases (chr17:74,346,370-74,346,374); deleting any one gives the same sequence. VCF-style (leftmost placement, unchanged base first): chr17-74346369-GC-G. GRCh37 (hg19) VCF-style: chr17-72342508-GC-G.
Identifiers: ClinVar variation 5038744 (VCV005038744.1).